The following is an entry in ClinVar:

ClinVar aggregate classification (germline): Uncertain significance (1 of 4 stars; one submission).

Conditions:
Progressive myoclonic epilepsy type 5. Identifiers: Orphanet 402082, MedGen C5190799.

Submission:

Labcorp Genetics (formerly Invitae), Labcorp
Classification: Uncertain significance for Progressive myoclonic epilepsy type 5. Last evaluated: 2025-02-24. Review status: criteria provided, single submitter. Criteria: Invitae Variant Classification Sherloc (09022015). Collection method: clinical testing. Allele origin: germline.
Comment: This sequence change replaces proline, which is neutral and non-polar, with serine, which is neutral and polar, at codon 400 of the PRICKLE2 protein (p.Pro400Ser). This variant is not present in population databases (gnomAD no frequency). This variant has not been reported in the literature in individuals affected with PRICKLE2-related conditions. An algorithm developed to predict the effect of missense changes on protein structure and function (PolyPhen-2) suggests that this variant is likely to be tolerated. In summary, the available evidence is currently insufficient to determine the role of this variant in disease. Therefore, it has been classified as a Variant of Uncertain Significance.

NM_198859.4(PRICKLE2):c.1198C>T (p.Pro400Ser)

Gene: PRICKLE2 (prickle planar cell polarity protein 2; minus strand). Cytogenetic location: 3p14.1.
Variant type: single nucleotide variant.
Coding change: c.1198C>T on transcript NM_198859.4 (MANE Select); coding-DNA position 1198, C replaced by T.
Protein change: p.Pro400Ser; replaces proline 400 with serine.
Molecular consequence: missense variant.
Genome position (GRCh38, 1-based): chr3:64,147,292, G>A on the plus strand (C>T on the coding strand, the complement: PRICKLE2 is on the minus strand). VCF-style: chr3-64147292-G-A. GRCh37 (hg19) VCF-style: chr3-64132968-G-A.
Other names: c.1198C>T, p.Pro400Ser (NM_001370528.1); short protein forms P400S.
Identifiers: ClinVar variation 3620536 (VCV003620536.2).